The following is an entry in ClinVar:

NM_000143.4(FH):c.1263G>T (p.Arg421Ser)

Gene: FH (fumarate hydratase; minus strand). Cytogenetic location: 1q43.
Variant type: single nucleotide variant.
Coding change: c.1263G>T on transcript NM_000143.4 (MANE Select); coding-DNA position 1263, G replaced by T.
Protein change: p.Arg421Ser; replaces arginine 421 with serine.
Molecular consequence: missense variant.
Genome position (GRCh38, 1-based): chr1:241,500,564, C>A on the plus strand (G>T on the coding strand, the complement: FH is on the minus strand). VCF-style: chr1-241500564-C-A. GRCh37 (hg19) VCF-style: chr1-241663864-C-A.
Other names: short protein forms R421S.
Identifiers: ClinVar variation 863707 (VCV000863707.49), dbSNP rs777409218, ClinGen allele CA345436851.

ClinVar aggregate classification (germline): Uncertain significance. Review status: criteria provided, multiple submitters, no conflicts (2 of 4 stars). 2 submissions from 2 submitters: Uncertain significance (2). Last evaluated 2024-06-23.

Conditions:
Hereditary cancer-predisposing syndrome. Also called: Hereditary Cancer Syndrome; Tumor predisposition; Neoplastic Syndromes, Hereditary; Hereditary neoplastic syndrome. Identifiers: Orphanet 140162, MedGen C0027672, MeSH D009386, MONDO:0015356.

Allele frequency attached by ClinVar (database versions not stated): gnomAD exomes below 0.00001.

Submissions (2):

Ambry Genetics
Classification: Uncertain significance for Hereditary cancer-predisposing syndrome. Last evaluated: 2024-06-23. Review status: criteria provided, single submitter. Criteria: Ambry Variant Classification Scheme 2023. Collection method: clinical testing. Allele origin: germline.
Comment: The p.R421S variant (also known as c.1263G>T), located in coding exon 9 of the FH gene, results from a G to T substitution at nucleotide position 1263. The arginine at codon 421 is replaced by serine, an amino acid with dissimilar properties. This amino acid position is conserved. In addition, this alteration is predicted to be deleterious by in silico analysis. Based on the available evidence, the clinical significance of this variant remains unclear.

Labcorp Genetics (formerly Invitae), Labcorp
Classification: Uncertain significance. Last evaluated: 2020-09-24. Review status: criteria provided, single submitter. Criteria: Invitae Variant Classification Sherloc (09022015). Collection method: clinical testing. Allele origin: germline.
Comment: This sequence change replaces arginine with serine at codon 421 of the FH protein (p.Arg421Ser). The arginine residue is highly conserved and there is a moderate physicochemical difference between arginine and serine. This variant is not present in population databases (ExAC no frequency). This variant has not been reported in the literature in individuals with FH-related conditions. Algorithms developed to predict the effect of missense changes on protein structure and function are either unavailable or do not agree on the potential impact of this missense change (SIFT: "Tolerated"; PolyPhen-2: "Benign"; Align-GVGD: "Class C0"). In summary, the available evidence is currently insufficient to determine the role of this variant in disease. Therefore, it has been classified as a Variant of Uncertain Significance.